The following is an entry in ClinVar:

ClinVar aggregate classification (germline): Benign. Review status: criteria provided, multiple submitters, no conflicts (2 of 4 stars). 4 submissions from 2 submitters: Benign (4). Last evaluated 2018-01-13.

Conditions:
Rabson-Mendenhall syndrome. Also called: MENDENHALL SYNDROME; Pineal Hyperplasia, Insulin-Resistant Diabetes Mellitus, and Somatic Abnormalities; Pineal hyperplasia AND diabetes mellitus syndrome. Identifiers: Orphanet 769, MedGen C0271695, MONDO:0009874, OMIM 262190.
Leprechaunism syndrome. Also called: Donohue syndrome; LEPRECHAUNISM. Identifiers: Orphanet 508, MedGen C0265344, MONDO:0009517, OMIM 246200.
Insulin-resistant diabetes mellitus AND acanthosis nigricans. Also called: Insulin-resistance syndrome type A; INSULIN RECEPTOR, DEFECT IN, WITH INSULIN-RESISTANT DIABETES MELLITUS AND ACANTHOSIS NIGRICANS; IRAN, TYPE A; type A insulin resistance; DIABETES MELLITUS, INSULIN-RESISTANT, WITH ACANTHOSIS NIGRICANS, TYPE A. Identifiers: Orphanet 2297, MedGen C0342278, MONDO:0012520, OMIM 610549.

Allele frequency attached by ClinVar (database versions not stated): gnomAD exomes 0.14286; gnomAD 0.27542 and 0.27864; TOPMed 0.29294; 1000 Genomes Project 0.31510; 1000 Genomes Project 30x 0.31949.
gnomAD v4.1: 41,709 of 152,050 alleles (27%); highest among the groups gnomAD compares: African/African-American, 51%; 7,468 homozygotes.

Submissions (4):

Illumina Laboratory Services, Illumina
Classification: Benign for Insulin-resistant diabetes mellitus AND acanthosis nigricans. Last evaluated: 2018-01-13. Review status: criteria provided, single submitter. Criteria: ICSL Variant Classification Criteria 13 December 2019. Collection method: clinical testing. Allele origin: germline.
Comment: This variant was observed in the ICSL laboratory as part of a predisposition screen in an ostensibly healthy population. It had not been previously curated by ICSL or reported in the Human Gene Mutation Database (HGMD: prior to June 1st, 2018), and was therefore a candidate for classification through an automated scoring system. Utilizing variant allele frequency, disease prevalence and penetrance estimates, and inheritance mode, an automated score was calculated to assess if this variant is too frequent to cause the disease. Based on the score and internal cut-off values, a variant classified as benign is not then subjected to further curation. The score for this variant resulted in a classification of benign for this disease.

Illumina Laboratory Services, Illumina
Classification: Benign for Leprechaunism syndrome. Last evaluated: 2018-01-13. Review status: criteria provided, single submitter. Criteria: ICSL Variant Classification Criteria 13 December 2019. Collection method: clinical testing. Allele origin: germline.
Comment: the same text as in the submission from Illumina Laboratory Services, Illumina above.

Illumina Laboratory Services, Illumina
Classification: Benign for Rabson-Mendenhall syndrome. Last evaluated: 2018-01-13. Review status: criteria provided, single submitter. Criteria: ICSL Variant Classification Criteria 13 December 2019. Collection method: clinical testing. Allele origin: germline.
Comment: the same text as in the submission from Illumina Laboratory Services, Illumina above.

Breakthrough Genomics
Classification: Benign. Review status: criteria provided, single submitter. Criteria: ACMG Guidelines, 2015. Collection method: not provided. Allele origin: germline. Inheritance: Autosomal recessive inheritance. Affected: yes.

NM_000208.4(INSR):c.*1494G>A

Gene: INSR (insulin receptor; minus strand). Cytogenetic location: 19p13.2.
Variant type: single nucleotide variant.
Coding change: c.*1494G>A on transcript NM_000208.4 (MANE Select); 1494 bases downstream of the stop codon, G replaced by A.
Molecular consequence: 3 prime UTR variant.
Genome position (GRCh38, 1-based): chr19:7,115,562, C>T on the plus strand (G>A on the coding strand, the complement: INSR is on the minus strand). VCF-style: chr19-7115562-C-T. GRCh37 (hg19) VCF-style: chr19-7115573-C-T.
Other names: c.*1494G>A (NM_001079817.3).
Identifiers: ClinVar variation 330404 (VCV000330404.6), dbSNP rs3745550, ClinGen allele CA10652300.